The following is an entry in ClinVar:

NM_000318.3(PEX2):c.*2338C>T

Gene: PEX2 (peroxisomal biogenesis factor 2; minus strand). Cytogenetic location: 8q21.13.
Variant type: single nucleotide variant.
Coding change: c.*2338C>T on transcript NM_000318.3 (MANE Select); 2338 bases downstream of the stop codon, C replaced by T.
Molecular consequence: 3 prime UTR variant.
Genome position (GRCh38, 1-based): chr8:76,980,923, G>A on the plus strand (C>T on the coding strand, the complement: PEX2 is on the minus strand). VCF-style: chr8-76980923-G-A. GRCh37 (hg19) VCF-style: chr8-77893159-G-A.
Other names: c.*2338C>T (NM_001079867.2, NM_001172086.2, NM_001172087.2).
Identifiers: ClinVar variation 363778 (VCV000363778.6), dbSNP rs56231626, ClinGen allele CA10628338.

ClinVar aggregate classification (germline): Benign. Review status: criteria provided, multiple submitters, no conflicts (2 of 4 stars). 2 submissions from 2 submitters: Benign (2). Last evaluated 2018-01-13.

Conditions:
Peroxisome biogenesis disorder 5A (Zellweger) (PBD5A). Identifiers: Orphanet 912, MedGen C3553940, MONDO:0013932, OMIM 614866.

Allele frequency attached by ClinVar (database versions not stated): 1000 Genomes Project 0.03295; 1000 Genomes Project 30x 0.03467; gnomAD 0.03506 and 0.03511; TOPMed 0.03718.

Submissions (2):

Illumina Laboratory Services, Illumina
Classification: Benign for Peroxisome biogenesis disorder 5A (Zellweger). Last evaluated: 2018-01-13. Review status: criteria provided, single submitter. Criteria: ICSL Variant Classification Criteria 13 December 2019. Collection method: clinical testing. Allele origin: germline.
Comment: This variant was observed in the ICSL laboratory as part of a predisposition screen in an ostensibly healthy population. It had not been previously curated by ICSL or reported in the Human Gene Mutation Database (HGMD: prior to June 1st, 2018), and was therefore a candidate for classification through an automated scoring system. Utilizing variant allele frequency, disease prevalence and penetrance estimates, and inheritance mode, an automated score was calculated to assess if this variant is too frequent to cause the disease. Based on the score and internal cut-off values, a variant classified as benign is not then subjected to further curation. The score for this variant resulted in a classification of benign for this disease.

Breakthrough Genomics
Classification: Benign. Review status: criteria provided, single submitter. Criteria: ACMG Guidelines, 2015. Collection method: not provided. Allele origin: germline. Inheritance: Autosomal recessive inheritance. Affected: yes.